The following is an entry in ClinVar:

NM_001040142.2(SCN2A):c.1364_1365delinsT (p.Lys455fs)

Gene: SCN2A (sodium voltage-gated channel alpha subunit 2; plus strand). Cytogenetic location: 2q24.3.
Variant type: Indel.
Coding change: c.1364_1365delinsT on transcript NM_001040142.2 (MANE Select); coding-DNA positions 1364 to 1365, AG replaced by T.
Protein change: p.Lys455fs; shifts the reading frame from lysine 455.
Molecular consequence: frameshift variant.
Genome position (GRCh38, 1-based): chr2:165,314,089-165,314,090, AG replaced by T. VCF-style: chr2-165314089-AG-T. GRCh37 (hg19) VCF-style: chr2-166170599-AG-T.
Other names: c.1364_1365delinsT, p.Lys455fs (NM_001040143.2, NM_001371246.1, NM_001371247.1 and 1 more transcripts); c.1364_1365delAGinsT (NM_021007.2); short protein forms K455fs.
Identifiers: ClinVar variation 422960 (VCV000422960.2), dbSNP rs1064796123, ClinGen allele CA16617264.

ClinVar aggregate classification (germline): Likely pathogenic (1 of 4 stars; one submission).

Submission:

GeneDx
Classification: Likely pathogenic. Last evaluated: 2017-08-18. Review status: criteria provided, single submitter. Criteria: GeneDx Variant Classification (06012015). Collection method: clinical testing. Allele origin: germline. Affected: yes.
Comment: The c.1364_1365delAGinsT variant in the SCN2A gene has not been reported previously as a pathogenic variant nor as a benign variant, to our knowledge. The c.1364_1365delAGinsT variant causes a frameshift starting with codon Lysine 455, changes this amino acid to an Isoleucine residue, and creates a premature Stop codon at position 26 of the new reading frame, denoted p.Lys455IlefsX26. This variant is predicted to cause loss of normal protein function either through protein truncation or nonsense-mediated mRNA decay. The p.Lys455IlefsX26 variant was not observed in approximately 6500 individuals of European and African American ancestry in the NHLBI Exome Sequencing Project, indicating it is not a common benign variant in these populations. We interpret p.Lys455IlefsX26 as a likely pathogenic variant.